The following is an entry in ClinVar:

ClinVar aggregate classification (germline): Uncertain significance (1 of 4 stars; one submission).

Allele frequency attached by ClinVar (database versions not stated): gnomAD exomes below 0.00001.

Submission:

Women's Health and Genetics/Laboratory Corporation of America, LabCorp
Classification: Uncertain significance. Last evaluated: 2023-12-15. Review status: criteria provided, single submitter. Criteria: LabCorp Variant Classification Summary - May 2015. Collection method: clinical testing. Allele origin: germline.
Comment: Variant summary: CPLANE1 c.3358A>G (p.Met1120Val) results in a conservative amino acid change in the encoded protein sequence. Two of four in-silico tools predict a benign effect of the variant on protein function. The variant allele was found at a frequency of 1.4e-06 in 1456056 control chromosomes (gnomAD). The available data on variant occurrences in the general population are insufficient to allow any conclusion about variant significance. To our knowledge, no occurrence of c.3358A>G in individuals affected with Joubert Syndrome And Related Disorders and no experimental evidence demonstrating its impact on protein function have been reported. No submitters have cited clinical-significance assessments for this variant to ClinVar after 2014. Based on the evidence outlined above, the variant was classified as uncertain significance.

NM_001384732.1(CPLANE1):c.3358A>G (p.Met1120Val)

Gene: CPLANE1 (ciliogenesis and planar polarity effector complex subunit 1; minus strand). Cytogenetic location: 5p13.2.
Variant type: single nucleotide variant.
Coding change: c.3358A>G on transcript NM_001384732.1 (MANE Select); coding-DNA position 3358, A replaced by G.
Protein change: p.Met1120Val; replaces methionine 1120 with valine.
Molecular consequence: missense variant.
Genome position (GRCh38, 1-based): chr5:37,201,740, T>C on the plus strand (A>G on the coding strand, the complement: CPLANE1 is on the minus strand). VCF-style: chr5-37201740-T-C. GRCh37 (hg19) VCF-style: chr5-37201842-T-C.
Other names: c.3358A>G, p.Met1120Val (NM_023073.4); short protein forms M1120V.
Identifiers: ClinVar variation 2691297 (VCV002691297.1), dbSNP rs2548159530, ClinGen allele CA359513188.